The following is an entry in ClinVar:

NM_006796.3(AFG3L2):c.2172G>T (p.Glu724Asp)

Gene: AFG3L2 (AFG3 like matrix AAA peptidase subunit 2; minus strand). Cytogenetic location: 18p11.21.
Variant type: single nucleotide variant.
Coding change: c.2172G>T on transcript NM_006796.3 (MANE Select); coding-DNA position 2172, G replaced by T.
Protein change: p.Glu724Asp; replaces glutamic acid 724 with aspartic acid.
Molecular consequence: missense variant.
Genome position (GRCh38, 1-based): chr18:12,337,344, C>A on the plus strand (G>T on the coding strand, the complement: AFG3L2 is on the minus strand). VCF-style: chr18-12337344-C-A. GRCh37 (hg19) VCF-style: chr18-12337343-C-A.
Other names: short protein forms E724D.
Identifiers: ClinVar variation 2004942 (VCV002004942.4), dbSNP rs1241573189, ClinGen allele CA401943536.

ClinVar aggregate classification (germline): Uncertain significance (1 of 4 stars; one submission).

Submission:

Labcorp Genetics (formerly Invitae), Labcorp
Classification: Uncertain significance. Last evaluated: 2025-03-17. Review status: criteria provided, single submitter. Criteria: Invitae Variant Classification Sherloc (09022015). Collection method: clinical testing. Allele origin: germline.
Comment: This sequence change replaces glutamic acid, which is acidic and polar, with aspartic acid, which is acidic and polar, at codon 724 of the AFG3L2 protein (p.Glu724Asp). This variant is not present in population databases (gnomAD no frequency). This variant has not been reported in the literature in individuals affected with AFG3L2-related conditions. ClinVar contains an entry for this variant (Variation ID: 2004942). Invitae Evidence Modeling of protein sequence and biophysical properties (such as structural, functional, and spatial information, amino acid conservation, physicochemical variation, residue mobility, and thermodynamic stability) indicates that this missense variant is not expected to disrupt AFG3L2 protein function with a negative predictive value of 95%. In summary, the available evidence is currently insufficient to determine the role of this variant in disease. Therefore, it has been classified as a Variant of Uncertain Significance.